The following is an entry in ClinVar:

ClinVar aggregate classification (germline): Uncertain significance (1 of 4 stars; one submission).

Conditions:
Developmental delay with short stature, dysmorphic facial features, and sparse hair 1. Also called: LOUCKS-INNES SYNDROME. Identifiers: MedGen CN323360, MONDO:0800438, OMIM 616901.

gnomAD v4.1: 5 of 1,614,066 alleles (0.00031%); highest among the groups gnomAD compares: African/African-American, 0.0027%; no homozygotes.

Submission:

Dasa
Classification: Uncertain significance for Developmental delay with short stature, dysmorphic facial features, and sparse hair 1. Last evaluated: 2025-05-15. Review status: criteria provided, single submitter. Criteria: DASA Assertion Criteria. Collection method: clinical testing. Allele origin: germline.
Comment: NM_001383.6(DPH1):c.907-7C>G is a splice-region variant. This variant is rare in population databases. Computational prediction algorithms are consistent with a benign effect. The currently available literature and clinical evidence are not sufficient to establish a definitive association between this variant and the reported condition. Therefore, this variant is classified as a variant of uncertain significance.

NM_001383.6(DPH1):c.907-7C>G

Gene: DPH1 (diphthamide biosynthesis 1; plus strand). Cytogenetic location: 17p13.3.
Variant type: single nucleotide variant.
Coding change: c.907-7C>G on transcript NM_001383.6 (MANE Select); 7 bases into the intron before coding-DNA position 907, C replaced by G.
Molecular consequence: intron variant.
Genome position (GRCh38, 1-based): chr17:2,040,498, C>G. VCF-style: chr17-2040498-C-G. GRCh37 (hg19) VCF-style: chr17-1943792-C-G.
Other names: c.859-7C>G (NM_001346574.1); c.826-7C>G (NM_001346575.1); c.502-7C>G (NM_001346576.2).
Identifiers: ClinVar variation 4880903 (VCV004880903.2).